The following is an entry in ClinVar:

NM_004341.5(CAD):c.2516G>A (p.Arg839Gln)

Genes: CAD (carbamoyl-phosphate synthetase 2, aspartate transcarbamylase, and dihydroorotase; plus strand), LOC126806171 (BRD4-independent group 4 enhancer GRCh37_chr2:27454350-27455549; plus strand). Cytogenetic location: 2p23.3.
Variant type: single nucleotide variant.
Coding change: c.2516G>A on transcript NM_004341.5 (MANE Select); coding-DNA position 2516, G replaced by A.
Protein change: p.Arg839Gln; replaces arginine 839 with glutamine.
Molecular consequence: missense variant.
Genome position (GRCh38, 1-based): chr2:27,232,095, G>A. VCF-style: chr2-27232095-G-A. GRCh37 (hg19) VCF-style: chr2-27454963-G-A.
Other names: c.2327G>A, p.Arg776Gln (NM_001306079.2); short protein forms R839Q, R776Q.
Identifiers: ClinVar variation 1398278 (VCV001398278.5), dbSNP rs774685998, ClinGen allele CA1573037.

ClinVar aggregate classification (germline): Uncertain significance (1 of 4 stars; one submission).

Allele frequency attached by ClinVar (database versions not stated): ExAC 0.00001; gnomAD 0.00001; gnomAD exomes 0.00001 and 0.00002; TOPMed 0.00002.
gnomAD v4.1: 17 of 1,614,106 alleles (0.0011%); highest among the groups gnomAD compares: African/African-American, 0.004%; no homozygotes.

Submission:

Labcorp Genetics (formerly Invitae), Labcorp
Classification: Uncertain significance. Last evaluated: 2022-07-16. Review status: criteria provided, single submitter. Criteria: Invitae Variant Classification Sherloc (09022015). Collection method: clinical testing. Allele origin: germline.
Comment: This sequence change replaces arginine, which is basic and polar, with glutamine, which is neutral and polar, at codon 839 of the CAD protein (p.Arg839Gln). This variant is present in population databases (rs774685998, gnomAD 0.003%). This variant has not been reported in the literature in individuals affected with CAD-related conditions. ClinVar contains an entry for this variant (Variation ID: 1398278). Algorithms developed to predict the effect of missense changes on protein structure and function (SIFT, PolyPhen-2, Align-GVGD) all suggest that this variant is likely to be tolerated. In summary, the available evidence is currently insufficient to determine the role of this variant in disease. Therefore, it has been classified as a Variant of Uncertain Significance.